The following is an entry in ClinVar:

ClinVar aggregate classification (germline): Conflicting classifications of pathogenicity. Review status: criteria provided, conflicting classifications (1 of 4 stars). 2 submissions from 2 submitters: Likely pathogenic (1); Uncertain significance (1). Last evaluated 2026-03-01.

Conditions:
Methylmalonic aciduria due to methylmalonyl-CoA mutase deficiency (MAMM). Also called: Methylmalonic aciduria, mut type. Identifiers: Orphanet 27, MedGen C1855114, MONDO:0009612, OMIM 251000.

Allele frequency attached by ClinVar (database versions not stated): ExAC 0.00001; TOPMed 0.00002; gnomAD 0.00003.
gnomAD v4.1: 15 of 1,613,942 alleles (0.00093%); highest among the groups gnomAD compares: Admixed American, 0.0083%; no homozygotes.

Submissions (2):

Myriad Genetics, Inc.
Classification: Uncertain significance for Methylmalonic aciduria due to methylmalonyl-CoA mutase deficiency. Last evaluated: 2026-03-01. Review status: criteria provided, single submitter. Criteria: Myriad Autosomal Dominant, Autosomal Recessive and X-Linked Classification Criteria (2023). Collection method: clinical testing. Allele origin: unknown.
Comment: NM_000255.3(MMUT):c.2081G>A(R694Q) is a missense variant classified as a variant of uncertain significance in the context of methylmalonic acidemia, MMUT-related. R694Q has not been observed in cases with relevant disease. Relevant functional assessments of this variant are not available in the literature. R694Q has been observed in referenced population frequency databases. In summary, there is insufficient evidence to classify NM_000255.3(MMUT):c.2081G>A(R694Q) as pathogenic or benign. Please note: this variant was assessed in the context of healthy population screening.

Labcorp Genetics (formerly Invitae), Labcorp
Classification: Likely pathogenic. Last evaluated: 2026-01-20. Review status: criteria provided, single submitter. Criteria: Invitae Variant Classification Sherloc (09022015). Collection method: clinical testing. Allele origin: germline.
Comment: This sequence change replaces arginine, which is basic and polar, with glutamine, which is neutral and polar, at codon 694 of the MUT protein (p.Arg694Gln). This variant is present in population databases (rs756225782, gnomAD 0.009%). This variant has not been reported in the literature in individuals affected with MUT-related conditions. ClinVar contains an entry for this variant (Variation ID: 2202131). Invitae Evidence Modeling of protein sequence and biophysical properties (such as structural, functional, and spatial information, amino acid conservation, physicochemical variation, residue mobility, and thermodynamic stability) indicates that this missense variant is expected to disrupt MUT protein function with a positive predictive value of 95%. This variant disrupts the p.Arg694 amino acid residue in MUT. Other variant(s) that disrupt this residue have been determined to be pathogenic (PMID: 7912889, 17957493, 25125334, 27591164). This suggests that this residue is clinically significant, and that variants that disrupt this residue are likely to be disease-causing. In summary, the currently available evidence indicates that the variant is pathogenic, but additional data are needed to prove that conclusively. Therefore, this variant has been classified as Likely Pathogenic.

Literature cited by the submitters: PubMed 7912889 (cited by Labcorp Genetics (formerly Invitae), Labcorp); PubMed 17957493 (cited by Labcorp Genetics (formerly Invitae), Labcorp); PubMed 25125334 (cited by Labcorp Genetics (formerly Invitae), Labcorp); PubMed 27591164 (cited by Labcorp Genetics (formerly Invitae), Labcorp).

NM_000255.4(MMUT):c.2081G>A (p.Arg694Gln)

Gene: MMUT (methylmalonyl-CoA mutase; minus strand). Cytogenetic location: 6p12.3.
Variant type: single nucleotide variant.
Coding change: c.2081G>A on transcript NM_000255.4 (MANE Select); coding-DNA position 2081, G replaced by A.
Protein change: p.Arg694Gln; replaces arginine 694 with glutamine.
Molecular consequence: missense variant.
Genome position (GRCh38, 1-based): chr6:49,435,499, C>T on the plus strand (G>A on the coding strand, the complement: MMUT is on the minus strand). VCF-style: chr6-49435499-C-T. GRCh37 (hg19) VCF-style: chr6-49403212-C-T.
Other names: short protein forms R694Q.
Identifiers: ClinVar variation 2202131 (VCV002202131.5), dbSNP rs756225782, ClinGen allele CA3846669.